The following is an entry in ClinVar:

NM_017654.4(SAMD9):c.3134G>C (p.Gly1045Ala)

Gene: SAMD9 (sterile alpha motif domain containing 9; minus strand). Cytogenetic location: 7q21.2.
Variant type: single nucleotide variant.
Coding change: c.3134G>C on transcript NM_017654.4 (MANE Select); coding-DNA position 3134, G replaced by C.
Protein change: p.Gly1045Ala; replaces glycine 1045 with alanine.
Molecular consequence: missense variant.
Genome position (GRCh38, 1-based): chr7:93,102,964, C>G on the plus strand (G>C on the coding strand, the complement: SAMD9 is on the minus strand). VCF-style: chr7-93102964-C-G. GRCh37 (hg19) VCF-style: chr7-92732277-C-G.
Other names: c.3134G>C, p.Gly1045Ala (NM_001193307.2); short protein forms G1045A.
Identifiers: ClinVar variation 5028778 (VCV005028778.1).

ClinVar aggregate classification (germline): Uncertain significance (1 of 4 stars; one submission).

Conditions:
Inborn genetic diseases. Identifiers: MedGen C0950123, MeSH D030342.

Submission:

Ambry Genetics
Classification: Uncertain significance for Inborn genetic diseases. Last evaluated: 2026-07-31. Review status: criteria provided, single submitter. Criteria: Ambry Variant Classification Scheme 2023. Collection method: clinical testing. Allele origin: germline.
Comment: The p.G1045A variant (also known as c.3134G>C), located in coding exon 1 of the SAMD9 gene, results from a G to C substitution at nucleotide position 3134. The glycine at codon 1045 is replaced by alanine, an amino acid with similar properties. This amino acid position is conserved. In addition, this alteration is predicted to be tolerated by in silico analysis. Based on the available evidence, the clinical significance of this variant remains unclear.